The following is an entry in ClinVar:

ClinVar aggregate classification (germline): Uncertain significance (1 of 4 stars; one submission).

Conditions:
Inborn genetic diseases. Identifiers: MedGen C0950123, MeSH D030342.

Submission:

Ambry Genetics
Classification: Uncertain significance for Inborn genetic diseases. Last evaluated: 2026-07-06. Review status: criteria provided, single submitter. Criteria: Ambry Variant Classification Scheme 2023. Collection method: clinical testing. Allele origin: germline.
Comment: The p.A41D variant (also known as c.122C>A), located in coding exon 1 of the WT1 gene, results from a C to A substitution at nucleotide position 122. The alanine at codon 41 is replaced by aspartic acid, an amino acid with dissimilar properties. This amino acid position is conserved. In addition, this alteration is predicted to be tolerated by in silico analysis. Based on the available evidence, the clinical significance of this variant remains unclear.

NM_024426.6(WT1):c.137C>A (p.Ala46Asp)

Genes: WT1 (WT1 transcription factor; minus strand), LOC107982234 (WT1/WT1-AS bi-directional promoter region; plus strand). Cytogenetic location: 11p13.
Variant type: single nucleotide variant.
Coding change: c.137C>A on transcript NM_024426.6 (MANE Select); coding-DNA position 137, C replaced by A.
Protein change: p.Ala46Asp; replaces alanine 46 with aspartic acid.
Molecular consequence: missense variant. On other transcripts: 5 prime UTR variant (4), non-coding transcript variant (2).
Genome position (GRCh38, 1-based): chr11:32,435,224, G>T on the plus strand (C>A on the coding strand, the complement: WT1 is on the minus strand). VCF-style: chr11-32435224-G-T. GRCh37 (hg19) VCF-style: chr11-32456770-G-T.
Other names: c.137C>A, p.Ala46Asp (NM_001407048.1, NM_001407049.1, NM_001407050.1 and 6 more transcripts); c.-83C>A (NM_001429031.1, NM_001429032.1, NM_001429033.1 and 1 more transcripts); short protein forms A41D, A46D.
Identifiers: ClinVar variation 5032025 (VCV005032025.1).